The following is an entry in ClinVar:

ClinVar aggregate classification (germline): Benign/Likely benign. Review status: criteria provided, multiple submitters, no conflicts (2 of 4 stars). 9 submissions from 9 submitters: Benign (1); Likely benign (4). 4 of the submissions do not count toward it. Last evaluated 2025-12-11.

Conditions:
CLCN2-related disorder. Also called: CLCN2-related condition; CLCN2-related disorders.
Leukoencephalopathy with mild cerebellar ataxia and white matter edema (LKPAT). Also called: CLCN2-Related Leukoencephalopathy; Leukoencephalopathy with white matter edema; Brain white matter edema; Leukoencephalopathy with ataxia. Identifiers: Orphanet 363540, MedGen C4554120, MONDO:0014292, OMIM 615651. Disease mechanism: loss of function.
Familial hyperaldosteronism type II. Also called: FH II. Identifiers: Orphanet 404, MedGen C1854107, MONDO:0011576, OMIM 605635.
Epilepsy, idiopathic generalized, susceptibility to, 11 (EIG11). Identifiers: Orphanet 307, MedGen C2750893, MONDO:0011875, OMIM 607628.
Seizure. Also called: Seizures. Identifiers: MedGen C0036572, HP:0001250.

Allele frequency attached by ClinVar (database versions not stated): ExAC 0.00056; TOPMed 0.00161; 1000 Genomes Project 0.00100; gnomAD 0.00156 and 0.00141; ESP Exome Variant Server 0.00185; 1000 Genomes Project 30x 0.00125.
gnomAD v4.1: 448 of 1,613,264 alleles (0.028%); highest among the groups gnomAD compares: African/African-American, 0.51%; 3 homozygotes.

Submissions (9):

Labcorp Genetics (formerly Invitae), Labcorp
Classification: Likely benign. Last evaluated: 2025-12-11. Review status: criteria provided, single submitter. Criteria: Invitae Variant Classification Sherloc (09022015). Collection method: clinical testing. Allele origin: germline.

PreventionGenetics, part of Exact Sciences
Classification: Likely benign for CLCN2-related condition. Last evaluated: 2025-08-07. Review status: criteria provided, single submitter. Criteria: ACMG Guidelines, 2015. Collection method: clinical testing. Allele origin: germline.
Comment: This variant is classified as likely benign based on ACMG/AMP sequence variant interpretation guidelines (Richards et al. 2015 PMID: 25741868, with internal and published modifications).

Mayo Clinic Laboratories, Mayo Clinic
Classification: Benign. Last evaluated: 2025-07-09. Review status: criteria provided, single submitter. Criteria: ACMG Guidelines, 2015. Collection method: clinical testing. Allele origin: germline. Observed: 1 variant allele.
Comment: BS1, BS2

Blueprint Genetics
Classification: Likely benign. Last evaluated: 2024-10-21. Review status: criteria provided, single submitter. Criteria: ACMG Guidelines, 2015. Collection method: clinical testing. Allele origin: germline.

Fulgent Genetics
Classification: Likely benign for Familial hyperaldosteronism type II; Epilepsy, idiopathic generalized, susceptibility to, 11; Leukoencephalopathy with mild cerebellar ataxia and white matter edema. Last evaluated: 2021-09-25. Review status: criteria provided, single submitter. Criteria: ACMG Guidelines, 2015. Collection method: clinical testing. Allele origin: unknown.

Clinical Molecular Genetics Laboratory, Johns Hopkins All Children's Hospital
Classification: Uncertain significance for seizures. Last evaluated: 2017-08-04. Review status: no assertion criteria provided. Collection method: clinical testing. Allele origin: germline. Affected: yes. Not counted in ClinVar's aggregate classification.

Clinical Genetics DNA and cytogenetics Diagnostics Lab, Erasmus MC, Erasmus Medical Center
Classification: Likely benign. Review status: no assertion criteria provided. Collection method: clinical testing. Allele origin: germline. Affected: yes. Study: VKGL Data-share Consensus. Not counted in ClinVar's aggregate classification.

GeneReviews
No classification provided. Condition: Leukoencephalopathy with mild cerebellar ataxia and white matter edema. Review status: no classification provided. Collection method: literature only. Allele origin: germline. Affected: yes. Not counted in ClinVar's aggregate classification.

Genome Diagnostics Laboratory, University Medical Center Utrecht
Classification: Likely benign. Review status: no assertion criteria provided. Collection method: clinical testing. Allele origin: germline. Affected: yes. Study: VKGL Data-share Consensus. Not counted in ClinVar's aggregate classification.

Literature cited by the submitters: PubMed 17762171 (cited by Mayo Clinic Laboratories, Mayo Clinic and GeneReviews); NCBI Bookshelf NBK326661 (cited by GeneReviews).

NM_004366.6(CLCN2):c.1937G>A (p.Arg646Gln)

Gene: CLCN2 (chloride voltage-gated channel 2; minus strand). Cytogenetic location: 3q27.1.
Variant type: single nucleotide variant.
Coding change: c.1937G>A on transcript NM_004366.6 (MANE Select); coding-DNA position 1937, G replaced by A.
Protein change: p.Arg646Gln; replaces arginine 646 with glutamine.
Molecular consequence: missense variant.
Genome position (GRCh38, 1-based): chr3:184,353,341, C>T on the plus strand (G>A on the coding strand, the complement: CLCN2 is on the minus strand). VCF-style: chr3-184353341-C-T. GRCh37 (hg19) VCF-style: chr3-184071129-C-T.
Other names: c.1886G>A, p.Arg629Gln (NM_001171087.3); c.1805G>A, p.Arg602Gln (NM_001171088.3); c.1937G>A, p.Arg646Gln (NM_001171089.3); short protein forms R646Q, R602Q, R629Q.
Identifiers: ClinVar variation 217775 (VCV000217775.16), dbSNP rs115961753, ClinGen allele CA347612.